The following is an entry in ClinVar:

NM_000388.4(CASR):c.341T>C (p.Phe114Ser)

Gene: CASR (calcium sensing receptor; plus strand). Cytogenetic location: 3q21.1.
Variant type: single nucleotide variant.
Coding change: c.341T>C on transcript NM_000388.4 (MANE Select); coding-DNA position 341, T replaced by C.
Protein change: p.Phe114Ser; replaces phenylalanine 114 with serine.
Molecular consequence: missense variant.
Genome position (GRCh38, 1-based): chr3:122,257,236, T>C. VCF-style: chr3-122257236-T-C. GRCh37 (hg19) VCF-style: chr3-121976083-T-C.
Other names: c.341T>C, p.Phe114Ser (NM_001178065.2); short protein forms F114S.
Identifiers: ClinVar variation 532615 (VCV000532615.10), dbSNP rs1553766245, ClinGen allele CA354362686.

ClinVar aggregate classification (germline): Uncertain significance (1 of 4 stars; one submission).

Conditions:
Familial hypocalciuric hypercalcemia (FHH). Also called: Familial benign hypercalcemia. Identifiers: Orphanet 405, MedGen C1809471, MONDO:0018458.
Autosomal dominant hypocalcemia 1 (HYPOC1). Also called: HYPOCALCEMIA, FAMILIAL. Identifiers: MedGen C3715128, MONDO:0011013, OMIM 601198.

Allele frequency attached by ClinVar (database versions not stated): gnomAD exomes below 0.00001.
gnomAD v4.1: 1 of 1,614,228 alleles (0.000062%); highest among the groups gnomAD compares: Non-Finnish European, 0.000085%; no homozygotes.

Submission:

Labcorp Genetics (formerly Invitae), Labcorp
Classification: Uncertain significance for Familial hypocalciuric hypercalcemia; Autosomal dominant hypocalcemia 1. Last evaluated: 2017-08-16. Review status: criteria provided, single submitter. Criteria: Invitae Variant Classification Sherloc (09022015). Collection method: clinical testing. Allele origin: germline.
Comment: In summary, the available evidence is currently insufficient to determine the role of this variant in disease. Therefore, it has been classified as a Variant of Uncertain Significance. Algorithms developed to predict the effect of missense changes on protein structure and function (SIFT, PolyPhen-2, Align-GVGD) all suggest that this variant is likely to be disruptive, but these predictions have not been confirmed by published functional studies and their clinical significance is uncertain. This variant has not been reported in the literature in individuals with CASR-related disease. This variant is not present in population databases (ExAC no frequency). This sequence change replaces phenylalanine with serine at codon 114 of the CASR protein (p.Phe114Ser). The phenylalanine residue is highly conserved and there is a large physicochemical difference between phenylalanine and serine.